The following is an entry in ClinVar:

NM_005559.4(LAMA1):c.768+1G>A

Gene: LAMA1 (laminin subunit alpha 1; minus strand). Cytogenetic location: 18p11.31.
Variant type: single nucleotide variant.
Coding change: c.768+1G>A on transcript NM_005559.4 (MANE Select); the canonical splice donor site of the intron after coding-DNA position 768, G replaced by A.
Molecular consequence: splice donor variant.
Genome position (GRCh38, 1-based): chr18:7,049,077, C>T on the plus strand (G>A on the coding strand, the complement: LAMA1 is on the minus strand). VCF-style: chr18-7049077-C-T. GRCh37 (hg19) VCF-style: chr18-7049076-C-T.
Identifiers: ClinVar variation 209989 (VCV000209989.52), dbSNP rs769174266, ClinGen allele CA205004.

ClinVar aggregate classification (germline): Conflicting classifications of pathogenicity. Review status: criteria provided, conflicting classifications (1 of 4 stars). 4 submissions from 4 submitters: Pathogenic (1); Likely pathogenic (2); Uncertain significance (1). Last evaluated 2021-01-12.

Conditions:
Ataxia - intellectual disability - oculomotor apraxia - cerebellar cysts syndrome. Also called: Poretti-Boltshauser syndrome. Identifiers: Orphanet 370022, MedGen C4014821, MONDO:0014419, OMIM 615960.

Allele frequency attached by ClinVar (database versions not stated): ExAC 0.00002; TOPMed below 0.00001.
gnomAD v4.1: 5 of 1,613,248 alleles (0.00031%); highest among the groups gnomAD compares: Non-Finnish European, 0.00042%; no homozygotes.

Submissions (5):

Labcorp Genetics (formerly Invitae), Labcorp
Classification: Likely pathogenic. Last evaluated: 2021-01-12. Review status: criteria provided, single submitter. Criteria: Invitae Variant Classification Sherloc (09022015). Collection method: clinical testing. Allele origin: germline.
Comment: In summary, the currently available evidence indicates that the variant is pathogenic, but additional data are needed to prove that conclusively. Therefore, this variant has been classified as Likely Pathogenic. Algorithms developed to predict the effect of sequence changes on RNA splicing suggest that this variant may disrupt the consensus splice site, but this prediction has not been confirmed by published transcriptional studies. This variant has been observed in individual(s) with LAMA1-related conditions (PMID: 25105227). ClinVar contains an entry for this variant (Variation ID: 209989). The frequency data for this variant in the population databases is considered unreliable, as metrics indicate poor data quality at this position in the ExAC database. This sequence change affects a donor splice site in intron 5 of the LAMA1 gene. It is expected to disrupt RNA splicing. Variants that disrupt the donor or acceptor splice site typically lead to a loss of protein function (PMID: 16199547), and loss-of-function variants in LAMA1 are known to be pathogenic (PMID: 25105227, 26932191).

CeGaT Center for Human Genetics Tuebingen
Classification: Pathogenic. Last evaluated: 2019-11-01. Review status: criteria provided, single submitter. Criteria: CeGaT Center For Human Genetics Tuebingen Variant Classification Criteria Version 2. Collection method: clinical testing. Allele origin: germline. Affected: yes. Observed: 2 variant alleles.

Dobyns Lab, Seattle Children's Research Institute
Classification: Uncertain significance for Poretti-boltshauser syndrome. Last evaluated: 2014-11-25. Review status: criteria provided, single submitter. Criteria: Submitter's publication. Collection method: research. Allele origin: germline. Affected: yes.

Juno Genomics, Hangzhou Juno Genomics, Inc
Classification: Likely pathogenic for Ataxia - intellectual disability - oculomotor apraxia - cerebellar cysts syndrome. Review status: criteria provided, single submitter. Criteria: ACMG Guidelines, 2015. Collection method: clinical testing. Allele origin: germline.
Comment: Absent from controls (or at extremely low frequency if recessive) in Genome Aggregation Database.;Null variant in a gene where loss of function (LOF) is a known mechanism of disease.;For recessive disorders, detected in trans with a pathogenic variant.;Co-segregation with disease in multiple affected family members.;Patient's phenotype or family history is highly specific for a disease with a single genetic etiology.

Dr. Peter K. Rogan Lab, Western University
No classification provided (evidence only). Condition: Glioma susceptibility 1. Review status: no classification provided. Collection method: in vitro. Allele origin: not applicable. Functional consequence: retained intron. Not counted in ClinVar's aggregate classification.

Literature cited by the submitters: PubMed 25105227 (cited by Labcorp Genetics (formerly Invitae), Labcorp); PubMed 16199547 (cited by Labcorp Genetics (formerly Invitae), Labcorp); PubMed 26932191 (cited by Labcorp Genetics (formerly Invitae), Labcorp).